The following is an entry in ClinVar:

ClinVar aggregate classification (germline): Uncertain significance. Review status: criteria provided, multiple submitters, no conflicts (2 of 4 stars). 2 submissions from 2 submitters: Uncertain significance (2). Last evaluated 2025-12-09.

Conditions:
Familial meningioma. Also called: Meningioma, familial, susceptibility to. Identifiers: Orphanet 263662, MedGen C3551915, MONDO:0011789, OMIM 607174.
Hereditary cancer-predisposing syndrome. Also called: Neoplastic Syndromes, Hereditary; Hereditary Cancer Syndrome; Tumor predisposition; Hereditary neoplastic syndrome. Identifiers: Orphanet 140162, MedGen C0027672, MeSH D009386, MONDO:0015356.

Allele frequency attached by ClinVar (database versions not stated): gnomAD exomes below 0.00001; ExAC 0.00001.
gnomAD v4.1: 1 of 1,613,672 alleles (0.000062%); highest among the groups gnomAD compares: Non-Finnish European, 0.000085%; no homozygotes.

Submissions (2):

Labcorp Genetics (formerly Invitae), Labcorp
Classification: Uncertain significance for Familial meningioma. Last evaluated: 2025-12-09. Review status: criteria provided, single submitter. Criteria: Invitae Variant Classification Sherloc (09022015). Collection method: clinical testing. Allele origin: germline.
Comment: This sequence change replaces alanine, which is neutral and non-polar, with threonine, which is neutral and polar, at codon 286 of the SMARCE1 protein (p.Ala286Thr). This variant is present in population databases (rs751048883, gnomAD 0.0009%). This variant has not been reported in the literature in individuals affected with SMARCE1-related conditions. ClinVar contains an entry for this variant (Variation ID: 943958). Invitae Evidence Modeling of protein sequence and biophysical properties (such as structural, functional, and spatial information, amino acid conservation, physicochemical variation, residue mobility, and thermodynamic stability) indicates that this missense variant is not expected to disrupt SMARCE1 protein function with a negative predictive value of 80%. In summary, the available evidence is currently insufficient to determine the role of this variant in disease. Therefore, it has been classified as a Variant of Uncertain Significance.

Ambry Genetics
Classification: Uncertain significance for Hereditary cancer-predisposing syndrome. Last evaluated: 2024-09-10. Review status: criteria provided, single submitter. Criteria: Ambry Variant Classification Scheme 2023. Collection method: clinical testing. Allele origin: germline.
Comment: The p.A286T variant (also known as c.856G>A), located in coding exon 9 of the SMARCE1 gene, results from a G to A substitution at nucleotide position 856. The alanine at codon 286 is replaced by threonine, an amino acid with similar properties. This amino acid position is well conserved in available vertebrate species. In addition, this alteration is predicted to be tolerated by in silico analysis. Missense and in-frame variants in SMARCE1 are known to cause neurodevelopmental disorders; however, such associations with increased risk of meningiomas are exceedingly rare (Kosho T et al. Am J Med Genet C Semin Med Genet. 2014 Sep;166C(3):262-75; Smith JM et al. Nat Genet. 2013 Mar;45(3):295-8). Based on the supporting evidence, the association of this alteration with an increased risk of Coffin-Siris syndrome is unknown; however, the association of this alteration with meningiomas is unlikely.

NM_003079.5(SMARCE1):c.856G>A (p.Ala286Thr)

Gene: SMARCE1 (SWI/SNF related BAF chromatin remodeling complex subunit E1; minus strand). Cytogenetic location: 17q21.2.
Variant type: single nucleotide variant.
Coding change: c.856G>A on transcript NM_003079.5 (MANE Select); coding-DNA position 856, G replaced by A.
Protein change: p.Ala286Thr; replaces alanine 286 with threonine.
Molecular consequence: missense variant.
Genome position (GRCh38, 1-based): chr17:40,630,885, C>T on the plus strand (G>A on the coding strand, the complement: SMARCE1 is on the minus strand). VCF-style: chr17-40630885-C-T. GRCh37 (hg19) VCF-style: chr17-38787137-C-T.
Other names: short protein forms A286T.
Identifiers: ClinVar variation 943958 (VCV000943958.13), dbSNP rs751048883, ClinGen allele CA8545148.